The following is an entry in ClinVar:

NM_004481.5(GALNT2):c.1489C>G (p.Leu497Val)

Gene: GALNT2 (polypeptide N-acetylgalactosaminyltransferase 2; plus strand). Cytogenetic location: 1q42.13.
Variant type: single nucleotide variant.
Coding change: c.1489C>G on transcript NM_004481.5 (MANE Select); coding-DNA position 1489, C replaced by G.
Protein change: p.Leu497Val; replaces leucine 497 with valine.
Molecular consequence: missense variant.
Genome position (GRCh38, 1-based): chr1:230,274,493, C>G. VCF-style: chr1-230274493-C-G. GRCh37 (hg19) VCF-style: chr1-230410239-C-G.
Other names: c.1489C>G (NM_004481.3); c.1375C>G, p.Leu459Val (NM_001291866.2); short protein forms L459V, L497V.
Identifiers: ClinVar variation 1403378 (VCV001403378.7), dbSNP rs149595757, ClinGen allele CA1446528.

ClinVar aggregate classification (germline): Uncertain significance. Review status: criteria provided, multiple submitters, no conflicts (2 of 4 stars). 2 submissions from 2 submitters: Uncertain significance (2). Last evaluated 2021-08-27.

Conditions:
Inborn genetic diseases. Identifiers: MedGen C0950123, MeSH D030342.

Allele frequency attached by ClinVar (database versions not stated): gnomAD exomes 0.00002 and 0.00008; ExAC 0.00007; TOPMed 0.00007; ESP Exome Variant Server 0.00008; gnomAD 0.00011.
gnomAD v4.1: 54 of 1,613,834 alleles (0.0033%); highest among the groups gnomAD compares: Admixed American, 0.038%; no homozygotes.

Submissions (2):

Labcorp Genetics (formerly Invitae), Labcorp
Classification: Uncertain significance. Last evaluated: 2021-08-27. Review status: criteria provided, single submitter. Criteria: Invitae Variant Classification Sherloc (09022015). Collection method: clinical testing. Allele origin: germline.
Comment: In summary, the available evidence is currently insufficient to determine the role of this variant in disease. Therefore, it has been classified as a Variant of Uncertain Significance. Algorithms developed to predict the effect of missense changes on protein structure and function are either unavailable or do not agree on the potential impact of this missense change (SIFT: "Deleterious"; PolyPhen-2: "Benign"; Align-GVGD: "Class C0"). This variant is also known as c.1375C>G (p.L459V). This missense change has been observed in individual(s) with multifactorial chylomicronemia syndrome (PMID: 31619059). This variant is present in population databases (rs149595757, ExAC 0.009%). This sequence change replaces leucine with valine at codon 497 of the GALNT2 protein (p.Leu497Val). The leucine residue is highly conserved and there is a small physicochemical difference between leucine and valine.

Ambry Genetics
Classification: Uncertain significance for Inborn genetic diseases. Last evaluated: 2021-06-02. Review status: criteria provided, single submitter. Criteria: Ambry Variant Classification Scheme 2023. Collection method: clinical testing. Allele origin: germline.

Literature cited by the submitters: PubMed 31619059 (cited by Labcorp Genetics (formerly Invitae), Labcorp).